The following is an entry in ClinVar:

ClinVar aggregate classification (germline): Likely pathogenic. Review status: criteria provided, multiple submitters, no conflicts (2 of 4 stars). 2 submissions from 2 submitters: Likely pathogenic (2). Last evaluated 2026-03-25.

Conditions:
CENPF-related disorder. Also called: CENPF-related condition.
Stromme syndrome (STROMS). Also called: APPLE PEEL SYNDROME WITH MICROCEPHALY AND OCULAR ANOMALIES; Ciliary dyskinesia, primary, 31; Strømme Syndrome. Identifiers: Orphanet 444069, Orphanet 506307, MedGen C1855705, MONDO:0009477, OMIM 243605.

Submissions (2):

PreventionGenetics, part of Exact Sciences
Classification: Likely pathogenic for CENPF-related condition. Last evaluated: 2026-03-25. Review status: criteria provided, single submitter. Criteria: ACMG Guidelines, 2015. Collection method: clinical testing. Allele origin: germline.
Comment: The CENPF c.5715_5718dupTAGG variant is predicted to result in premature protein termination (p.Ile1907*). To our knowledge, this variant has not been reported in the literature. This variant is reported in 0.13% of alleles in individuals of Ashkenazi Jewish descent in gnomAD. Nonsense variants in CENPF are expected to be pathogenic. This variant is interpreted as likely pathogenic.

Department of Pathology and Laboratory Medicine, Sinai Health System
Classification: Likely pathogenic for Stromme syndrome. Last evaluated: 2023-01-31. Review status: criteria provided, single submitter. Criteria: ACMG Guidelines, 2015. Collection method: research. Allele origin: germline.

NM_016343.4(CENPF):c.5715_5718dup (p.Ile1907Ter)

Gene: CENPF (centromere protein F; plus strand). Cytogenetic location: 1q41.
Variant type: Duplication.
Coding change: c.5715_5718dup on transcript NM_016343.4 (MANE Select); coding-DNA positions 5715 to 5718, 4 bases duplicated (TAGG; older notation c.5715_5718dupTAGG).
Protein change: p.Ile1907Ter; replaces isoleucine 1907 with a stop codon.
Molecular consequence: nonsense.
Genome position (GRCh38, 1-based): chr1:214,645,285-214,645,288, TAGG duplicated; duplicating any 4 consecutive bases within chr1:214,645,284-214,645,288 gives the same sequence; the c. name uses the placement nearest the transcript's 3' end. VCF-style (leftmost placement, unchanged base first): chr1-214645283-A-AGTAG. GRCh37 (hg19) VCF-style: chr1-214818626-A-AGTAG.
Other names: short protein forms I1907*.
Identifiers: ClinVar variation 3779044 (VCV003779044.2), dbSNP rs767901194.